The following is an entry in ClinVar:

ClinVar aggregate classification (germline): Conflicting classifications of pathogenicity. Review status: criteria provided, conflicting classifications (1 of 4 stars). 4 submissions from 4 submitters: Uncertain significance (2); Likely benign (2). Last evaluated 2025-10-13.

Conditions:
Hereditary cancer-predisposing syndrome. Also called: Hereditary neoplastic syndrome; Tumor predisposition; Neoplastic Syndromes, Hereditary; Hereditary Cancer Syndrome. Identifiers: Orphanet 140162, MedGen C0027672, MeSH D009386, MONDO:0015356.
Intellectual disability, autosomal dominant 16 (CSS4). Also called: COFFIN-SIRIS SYNDROME 4. Identifiers: Orphanet 1465, MedGen C3553249, MONDO:0013821, OMIM 614609.
Rhabdoid tumor predisposition syndrome 2 (RTPS2). Identifiers: Orphanet 231108, Orphanet 69077, MedGen C2750074, MONDO:0013224, OMIM 613325.

Allele frequency attached by ClinVar (database versions not stated): TOPMed 0.00002.
gnomAD v4.1: 21 of 1,607,246 alleles (0.0013%); highest among the groups gnomAD compares: South Asian, 0.012%; no homozygotes.

Submissions (4):

Labcorp Genetics (formerly Invitae), Labcorp
Classification: Uncertain significance for Rhabdoid tumor predisposition syndrome 2. Last evaluated: 2025-10-13. Review status: criteria provided, single submitter. Criteria: Invitae Variant Classification Sherloc (09022015). Collection method: clinical testing. Allele origin: germline.
Comment: This sequence change replaces valine, which is neutral and non-polar, with methionine, which is neutral and non-polar, at codon 1592 of the SMARCA4 protein (p.Val1592Met). This variant is present in population databases (rs374983142, gnomAD 0.02%). This variant has not been reported in the literature in individuals affected with SMARCA4-related conditions. ClinVar contains an entry for this variant (Variation ID: 570004). Invitae Evidence Modeling of protein sequence and biophysical properties (such as structural, functional, and spatial information, amino acid conservation, physicochemical variation, residue mobility, and thermodynamic stability) indicates that this missense variant is expected to disrupt SMARCA4 protein function with a positive predictive value of 80%. In summary, the available evidence is currently insufficient to determine the role of this variant in disease. Therefore, it has been classified as a Variant of Uncertain Significance.

Ambry Genetics
Classification: Likely benign for Hereditary cancer-predisposing syndrome. Last evaluated: 2022-03-24. Review status: criteria provided, single submitter. Criteria: Ambry Variant Classification Scheme 2023. Collection method: clinical testing. Allele origin: germline.

Sema4
Classification: Likely benign for Hereditary cancer-predisposing syndrome. Last evaluated: 2022-02-24. Review status: criteria provided, single submitter. Criteria: Sema4 Curation Guidelines. Collection method: curation. Allele origin: germline.

Genome-Nilou Lab
Classification: Uncertain significance for Intellectual disability, autosomal dominant 16. Last evaluated: 2021-07-15. Review status: criteria provided, single submitter. Criteria: ACMG Guidelines, 2015. Collection method: clinical testing. Allele origin: germline. Affected: no.

NM_003072.5(SMARCA4):c.4678G>A (p.Val1560Met)

Gene: SMARCA4 (SWI/SNF related BAF chromatin remodeling complex subunit ATPase 4; plus strand). Cytogenetic location: 19p13.2.
Variant type: single nucleotide variant.
Coding change: c.4678G>A on transcript NM_003072.5 (MANE Select); coding-DNA position 4678, G replaced by A.
Protein change: p.Val1560Met; replaces valine 1560 with methionine.
Molecular consequence: missense variant. On other transcripts: non-coding transcript variant (1).
Genome position (GRCh38, 1-based): chr19:11,059,795, G>A. VCF-style: chr19-11059795-G-A. GRCh37 (hg19) VCF-style: chr19-11170471-G-A.
Other names: c.4774G>A, p.Val1592Met (NM_001128849.3, NM_001387283.1); c.4579G>A, p.Val1527Met (NM_001374457.1, NM_001128847.4); c.4678G>A, p.Val1560Met (NM_001128844.3); c.4588G>A, p.Val1530Met (NM_001128845.2); c.4585G>A, p.Val1529Met (NM_001128846.2); c.4576G>A, p.Val1526Met (NM_001128848.2); short protein forms V1592M, V1560M, V1526M, V1527M, V1529M, V1530M.
Identifiers: ClinVar variation 570004 (VCV000570004.15), dbSNP rs374983142, ClinGen allele CA9204824.